The following is an entry in ClinVar:

NM_006201.5(CDK16):c.1176C>T (p.Asn392=)

Gene: CDK16 (cyclin dependent kinase 16; plus strand). Cytogenetic location: Xp11.3.
Variant type: single nucleotide variant.
Coding change: c.1176C>T on transcript NM_006201.5 (MANE Select); coding-DNA position 1176, C replaced by T.
Protein change: p.Asn392=; no amino-acid change (asparagine 392 retained).
Molecular consequence: synonymous variant.
Genome position (GRCh38, 1-based): chrX:47,227,034, C>T. VCF-style: chrX-47227034-C-T. GRCh37 (hg19) VCF-style: chrX-47086433-C-T.
Other names: c.1194C>T, p.Asn398= (NM_033018.4); c.1398C>T, p.Asn466= (NM_001170460.2).
Identifiers: ClinVar variation 2660415 (VCV002660415.24), dbSNP rs377329220, ClinGen allele CA10396584.

ClinVar aggregate classification (germline): Likely benign (1 of 4 stars; one submission).

Allele frequency attached by ClinVar (database versions not stated): TOPMed 0.00016; gnomAD 0.00019; gnomAD exomes 0.00019; ExAC 0.00025; ESP Exome Variant Server 0.00028.

Submission:

CeGaT Center for Human Genetics Tuebingen
Classification: Likely benign. Last evaluated: 2022-12-01. Review status: criteria provided, single submitter. Criteria: CeGaT Center For Human Genetics Tuebingen Variant Classification Criteria Version 2. Collection method: clinical testing. Allele origin: germline. Affected: yes. Observed: 1 variant allele.
Comment: CDK16: BP4, BP7, BS2